The following is an entry in ClinVar:

ClinVar aggregate classification (germline): Uncertain significance (1 of 4 stars; one submission).

Submission:

Labcorp Genetics (formerly Invitae), Labcorp
Classification: Uncertain significance. Last evaluated: 2022-11-23. Review status: criteria provided, single submitter. Criteria: Invitae Variant Classification Sherloc (09022015). Collection method: clinical testing. Allele origin: germline.
Comment: Algorithms developed to predict the effect of sequence changes on RNA splicing suggest that this variant may create or strengthen a splice site. In summary, the available evidence is currently insufficient to determine the role of this variant in disease. Therefore, it has been classified as a Variant of Uncertain Significance. Advanced modeling of protein sequence and biophysical properties (such as structural, functional, and spatial information, amino acid conservation, physicochemical variation, residue mobility, and thermodynamic stability) performed at Invitae indicates that this missense variant is not expected to disrupt POLE protein function. This variant has not been reported in the literature in individuals affected with POLE-related conditions. This variant is not present in population databases (gnomAD no frequency). This sequence change replaces glutamine, which is neutral and polar, with histidine, which is basic and polar, at codon 1588 of the POLE protein (p.Gln1588His).

NM_006231.4(POLE):c.4764G>T (p.Gln1588His)

Gene: POLE (DNA polymerase epsilon, catalytic subunit; minus strand). Cytogenetic location: 12q24.33.
Variant type: single nucleotide variant.
Coding change: c.4764G>T on transcript NM_006231.4 (MANE Select); coding-DNA position 4764, G replaced by T.
Protein change: p.Gln1588His; replaces glutamine 1588 with histidine.
Molecular consequence: missense variant.
Genome position (GRCh38, 1-based): chr12:132,642,694, C>A on the plus strand (G>T on the coding strand, the complement: POLE is on the minus strand). VCF-style: chr12-132642694-C-A. GRCh37 (hg19) VCF-style: chr12-133219280-C-A.
Other names: short protein forms Q1588H.
Identifiers: ClinVar variation 2815867 (VCV002815867.3), dbSNP rs2541886308, ClinGen allele CA387378472.